The following is an entry in ClinVar:

NC_000002.11:g.(?_24443763)_(29022169_?)dup

Genes: ABHD1 (abhydrolase domain containing 1; plus strand), ADCY3 (adenylate cyclase 3; minus strand), ADGRF3 (adhesion G protein-coupled receptor F3; minus strand), AGBL5 (AGBL carboxypeptidase 5; plus strand), ASXL2 (ASXL transcriptional regulator 2; minus strand) and 62 more. Cytogenetic location: 2p23.3-23.2.
Variant type: Duplication.
Identifiers: ClinVar variation 2427541 (VCV002427541.4).

ClinVar aggregate classification (germline): Uncertain significance. Review status: criteria provided, single submitter (1 of 4 stars). 2 submissions from 1 submitter: Uncertain significance (1). 1 of the submissions does not count toward it. Last evaluated 2022-08-22.

Conditions:
Tatton-Brown-Rahman overgrowth syndrome. Also called: Tatton-Brown-Rahman syndrome; Tall stature-intellectual disability-facial dysmorphism syndrome. Identifiers: Orphanet 404443, MedGen C4014545, MONDO:0014382, OMIM 615879.

Submissions (2):

Labcorp Genetics (formerly Invitae), Labcorp
Classification: Uncertain significance. Last evaluated: 2022-08-22. Review status: criteria provided, single submitter. Criteria: Invitae Variant Classification Sherloc (09022015). Collection method: clinical testing. Allele origin: germline.
Comment: A copy number gain of the genomic region encompassing the full coding sequence of the PPP1CB gene has been identified. The boundaries of this event are unknown as they extend beyond the assayed region for this gene and therefore may encompass additional genes. As the precise location of this event is unknown, it may be in tandem or it may be located elsewhere in the genome. This variant has not been reported in the literature in individuals affected with PPP1CB-related conditions. In summary, the available evidence is currently insufficient to determine the role of this variant in disease. Therefore, it has been classified as a Variant of Uncertain Significance.

Labcorp Genetics (formerly Invitae), Labcorp
Classification: Uncertain significance for Tatton-Brown-Rahman overgrowth syndrome. Last evaluated: 2022-08-22. Review status: flagged submission. Criteria: Invitae Variant Classification Sherloc (09022015). Collection method: clinical testing. Allele origin: germline. Not counted in ClinVar's aggregate classification.
Comment: A copy number gain of the genomic region encompassing the full coding sequence of the DNMT3A gene has been identified. The boundaries of this event are unknown as they extend beyond the assayed region for this gene and therefore may encompass additional genes. As the precise location of this event is unknown, it may be in tandem or it may be located elsewhere in the genome. This variant has not been reported in the literature in individuals affected with DNMT3A-related conditions. In summary, the available evidence is currently insufficient to determine the role of this variant in disease. Therefore, it has been classified as a Variant of Uncertain Significance.
ClinVar note: Reason: This record appears to be redundant with a more recent record from the same submitter.
ClinVar note: Notes: SCV003796963 appears to be redundant with SCV003795362.